The following is an entry in ClinVar:

NM_006488.3(KHK):c.189G>A (p.Met63Ile)

Gene: KHK (ketohexokinase; plus strand). Cytogenetic location: 2p23.3.
Variant type: single nucleotide variant.
Coding change: c.189G>A on transcript NM_006488.3 (MANE Select); coding-DNA position 189, G replaced by A.
Protein change: p.Met63Ile; replaces methionine 63 with isoleucine.
Molecular consequence: missense variant.
Genome position (GRCh38, 1-based): chr2:27,092,428, G>A. VCF-style: chr2-27092428-G-A. GRCh37 (hg19) VCF-style: chr2-27315296-G-A.
Other names: c.189G>A, p.Met63Ile (NM_000221.3); short protein forms M63I.
Identifiers: ClinVar variation 896717 (VCV000896717.4), dbSNP rs142663158, ClinGen allele CA1569124.

ClinVar aggregate classification (germline): Likely benign (1 of 4 stars; one submission).

Conditions:
Essential fructosuria. Also called: HEPATIC FRUCTOKINASE DEFICIENCY; KETOHEXOKINASE DEFICIENCY. Identifiers: Orphanet 2056, MedGen C0268160, MONDO:0009252, OMIM 229800.

Allele frequency attached by ClinVar (database versions not stated): gnomAD exomes 0.00008 and 0.00031; ExAC 0.00039; 1000 Genomes Project 0.00080; gnomAD 0.00108 and 0.00112; TOPMed 0.00120; 1000 Genomes Project 30x 0.00125; ESP Exome Variant Server 0.00138.

Submission:

Illumina Laboratory Services, Illumina
Classification: Likely benign for Essential fructosuria. Last evaluated: 2018-01-12. Review status: criteria provided, single submitter. Criteria: ICSL Variant Classification Criteria 13 December 2019. Collection method: clinical testing. Allele origin: germline.
Comment: This variant was observed in the ICSL laboratory as part of a predisposition screen in an ostensibly healthy population. It had not been previously curated by ICSL or reported in the Human Gene Mutation Database (HGMD: prior to June 1st, 2018), and was therefore a candidate for classification through an automated scoring system. Utilizing variant allele frequency, disease prevalence and penetrance estimates, and inheritance mode, an automated score was calculated to assess if this variant is too frequent to cause the disease. Based on the score and internal cut-off values, a variant classified as likely benign is not then subjected to further curation. The score for this variant resulted in a classification of likely benign for this disease.